The following is an entry in ClinVar:

NM_001271938.2(MEGF8):c.5959T>C (p.Trp1987Arg)

Gene: MEGF8 (multiple EGF like domains 8; plus strand). Cytogenetic location: 19q13.2.
Variant type: single nucleotide variant.
Coding change: c.5959T>C on transcript NM_001271938.2 (MANE Select); coding-DNA position 5959, T replaced by C.
Protein change: p.Trp1987Arg; replaces tryptophan 1987 with arginine.
Molecular consequence: missense variant.
Genome position (GRCh38, 1-based): chr19:42,362,498, T>C. VCF-style: chr19-42362498-T-C. GRCh37 (hg19) VCF-style: chr19-42866650-T-C.
Other names: c.5758T>C, p.Trp1920Arg (NM_001410.3); short protein forms W1920R, W1987R.
Identifiers: ClinVar variation 2664178 (VCV002664178.8), dbSNP rs144057511, ClinGen allele CA9475737.
Genomic context (GRCh38, chr19:42,362,498, plus strand): 5'-GGACGCAATGGGTCCTGCACCTCTGAGAATGACTGTCGGATCAACCAGCGAGAGGTCTTC[T>C]GGGCAGGGAACTGCTCCGAGGCTGCGTGCGGGGCTGCTGACTGCGAGCAGTGCACGCGGG-3'
Protein context (NP_001258867.1, residues 1977-1997): DCRINQREVF[Trp1987Arg]AGNCSEAACG

ClinVar aggregate classification (germline): Uncertain significance. Review status: criteria provided, multiple submitters, no conflicts (2 of 4 stars). 3 submissions from 3 submitters: Uncertain significance (3). Last evaluated 2025-11-01.

Conditions:
MEGF8-related Carpenter syndrome. Also called: Carpenter syndrome 2. Identifiers: Orphanet 65759, MedGen C3554247, MONDO:0013998, OMIM 614976.

Allele frequency attached by ClinVar (database versions not stated): gnomAD 0.00003; gnomAD exomes 0.00003; TOPMed 0.00003; ExAC 0.00005; ESP Exome Variant Server 0.00008.
gnomAD v4.1: 45 of 1,613,772 alleles (0.0028%); highest among the groups gnomAD compares: Non-Finnish European, 0.0037%; no homozygotes.

Submissions (3):

CeGaT Center for Human Genetics Tuebingen
Classification: Uncertain significance. Last evaluated: 2025-11-01. Review status: criteria provided, single submitter. Criteria: CeGaT Center For Human Genetics Tuebingen Variant Classification Criteria Version 2. Collection method: clinical testing. Allele origin: germline. Affected: yes. Observed: 1 variant allele.
Comment: MEGF8: PM2

Labcorp Genetics (formerly Invitae), Labcorp
Classification: Uncertain significance for MEGF8-related Carpenter syndrome. Last evaluated: 2023-08-14. Review status: criteria provided, single submitter. Criteria: Invitae Variant Classification Sherloc (09022015). Collection method: clinical testing. Allele origin: germline.
Comment: In summary, the available evidence is currently insufficient to determine the role of this variant in disease. Therefore, it has been classified as a Variant of Uncertain Significance. An algorithm developed to predict the effect of missense changes on protein structure and function (PolyPhen-2) suggests that this variant is likely to be disruptive. This variant has not been reported in the literature in individuals affected with MEGF8-related conditions. This variant is present in population databases (rs144057511, gnomAD 0.009%). This sequence change replaces tryptophan, which is neutral and slightly polar, with arginine, which is basic and polar, at codon 1920 of the MEGF8 protein (p.Trp1920Arg).

Neuberg Centre For Genomic Medicine, NCGM
Classification: Uncertain significance for MEGF8-related Carpenter syndrome. Review status: criteria provided, single submitter. Criteria: ACMG Guidelines, 2015. Collection method: clinical testing. Allele origin: germline. Inheritance: Autosomal recessive inheritance. Affected: yes.